The following is an entry in ClinVar:

ClinVar aggregate classification (germline): Benign/Likely benign. Review status: criteria provided, multiple submitters, no conflicts (2 of 4 stars). 8 submissions from 8 submitters: Benign (2); Likely benign (6). Last evaluated 2026-02-01.

Conditions:
Hereditary cancer-predisposing syndrome. Also called: Tumor predisposition; Hereditary neoplastic syndrome; Hereditary Cancer Syndrome; Neoplastic Syndromes, Hereditary. Identifiers: Orphanet 140162, MedGen C0027672, MeSH D009386, MONDO:0015356.
Tuberous sclerosis syndrome (TSC). Also called: Tuberous Sclerosis Complex; Tuberous sclerosis. Identifiers: Orphanet 805, MedGen C0041341, MONDO:0001734.
Tuberous sclerosis 2 (TSC2). Identifiers: Orphanet 805, MedGen C1860707, MONDO:0013199, OMIM 613254.

Allele frequency attached by ClinVar (database versions not stated): gnomAD 0.00001; gnomAD exomes 0.00001 and 0.00002; TOPMed 0.00002; ExAC 0.00003.
gnomAD v4.1: 21 of 1,611,356 alleles (0.0013%); highest among the groups gnomAD compares: Admixed American, 0.0033%; no homozygotes.

Submissions (8):

Labcorp Genetics (formerly Invitae), Labcorp
Classification: Likely benign for Tuberous sclerosis 2. Last evaluated: 2026-02-01. Review status: criteria provided, single submitter. Criteria: Invitae Variant Classification Sherloc (09022015). Collection method: clinical testing. Allele origin: germline.

Color Diagnostics, LLC DBA Color Health
Classification: Likely benign for Tuberous sclerosis syndrome. Last evaluated: 2025-06-09. Review status: criteria provided, single submitter. Criteria: ACMG Guidelines, 2015. Collection method: clinical testing. Allele origin: germline.

Myriad Genetics, Inc.
Classification: Benign for Tuberous sclerosis 2. Last evaluated: 2025-05-09. Review status: criteria provided, single submitter. Criteria: Myriad Autosomal Dominant, Autosomal Recessive and X-Linked Classification Criteria (2023). Collection method: clinical testing. Allele origin: unknown.
Comment: This variant is considered benign. This variant is a silent/synonymous amino acid change and it is not expected to impact splicing.

CeGaT Center for Human Genetics Tuebingen
Classification: Likely benign. Last evaluated: 2024-11-01. Review status: criteria provided, single submitter. Criteria: CeGaT Center For Human Genetics Tuebingen Variant Classification Criteria Version 2. Collection method: clinical testing. Allele origin: germline. Affected: yes. Observed: 1 variant allele.
Comment: TSC2: BP4, BP7

Blueprint Genetics
Classification: Likely benign. Last evaluated: 2024-01-18. Review status: criteria provided, single submitter. Criteria: ACMG Guidelines, 2015. Collection method: clinical testing. Allele origin: germline.

Sema4
Classification: Likely benign for Hereditary cancer-predisposing syndrome. Last evaluated: 2022-03-16. Review status: criteria provided, single submitter. Criteria: Sema4 Curation Guidelines. Collection method: curation. Allele origin: germline.

Genome-Nilou Lab
Classification: Benign for Tuberous sclerosis 2. Last evaluated: 2021-11-07. Review status: criteria provided, single submitter. Criteria: ACMG Guidelines, 2015. Collection method: clinical testing. Allele origin: germline. Affected: no.

Ambry Genetics
Classification: Likely benign for Hereditary cancer-predisposing syndrome. Last evaluated: 2018-12-24. Review status: criteria provided, single submitter. Criteria: Ambry Variant Classification Scheme 2023. Collection method: clinical testing. Allele origin: germline.

NM_000548.5(TSC2):c.744C>T (p.Asn248=)

Gene: TSC2 (TSC complex subunit 2; plus strand). Cytogenetic location: 16p13.3.
Variant type: single nucleotide variant.
Coding change: c.744C>T on transcript NM_000548.5 (MANE Select); coding-DNA position 744, C replaced by T.
Protein change: p.Asn248=; no amino-acid change (asparagine 248 retained).
Molecular consequence: synonymous variant.
Genome position (GRCh38, 1-based): chr16:2,056,739, C>T. VCF-style: chr16-2056739-C-T. GRCh37 (hg19) VCF-style: chr16-2106740-C-T.
Other names: c.744C>T, p.Asn248= (NM_001077183.3, NM_001114382.3, NM_001363528.2 and 3 more transcripts); c.633C>T, p.Asn211= (NM_001318827.2); c.597C>T, p.Asn199= (NM_001318829.2); c.144C>T, p.Asn48= (NM_001318831.2); c.777C>T, p.Asn259= (NM_001318832.2).
Identifiers: ClinVar variation 413752 (VCV000413752.36), dbSNP rs767565673, ClinGen allele CA056290.